The following is an entry in ClinVar:

ClinVar aggregate classification (germline): Uncertain significance (1 of 4 stars; one submission).

Conditions:
Early Myoclonic Encephalopathy. Identifiers: MedGen C0270855.

Allele frequency attached by ClinVar (database versions not stated): gnomAD exomes below 0.00001.
gnomAD v4.1: 1 of 1,614,082 alleles (0.000062%); highest among the groups gnomAD compares: South Asian, 0.0011%; no homozygotes.

Submission:

Labcorp Genetics (formerly Invitae), Labcorp
Classification: Uncertain significance for Early Myoclonic Encephalopathy. Last evaluated: 2020-01-21. Review status: criteria provided, single submitter. Criteria: Invitae Variant Classification Sherloc (09022015). Collection method: clinical testing. Allele origin: germline.
Comment: This variant is not present in population databases (ExAC no frequency). This sequence change replaces alanine with serine at codon 1262 of the JMJD1C protein (p.Ala1262Ser). The alanine residue is moderately conserved and there is a moderate physicochemical difference between alanine and serine. This variant has not been reported in the literature in individuals with JMJD1C-related conditions. Algorithms developed to predict the effect of missense changes on protein structure and function output the following: SIFT: "Tolerated"; PolyPhen-2: "Benign"; Align-GVGD: "Class C0". The serine amino acid residue is found in multiple mammalian species, suggesting that this missense change does not adversely affect protein function. These predictions have not been confirmed by published functional studies and their clinical significance is uncertain. In summary, the available evidence is currently insufficient to determine the role of this variant in disease. Therefore, it has been classified as a Variant of Uncertain Significance.

NM_032776.3(JMJD1C):c.3784G>T (p.Ala1262Ser)

Gene: JMJD1C (jumonji domain containing 1C; minus strand). Cytogenetic location: 10q21.3.
Variant type: single nucleotide variant.
Coding change: c.3784G>T on transcript NM_032776.3 (MANE Select); coding-DNA position 3784, G replaced by T.
Protein change: p.Ala1262Ser; replaces alanine 1262 with serine.
Molecular consequence: missense variant. On other transcripts: non-coding transcript variant (1).
Genome position (GRCh38, 1-based): chr10:63,207,885, C>A on the plus strand (G>T on the coding strand, the complement: JMJD1C is on the minus strand). VCF-style: chr10-63207885-C-A. GRCh37 (hg19) VCF-style: chr10-64967645-C-A.
Other names: c.3238G>T, p.Ala1080Ser (NM_001282948.2, NM_001318154.2); c.2920G>T, p.Ala974Ser (NM_001318153.2); c.3670G>T, p.Ala1224Ser (NM_001322252.2); c.3127G>T, p.Ala1043Ser (NM_001322254.2, NM_001322258.2); short protein forms A1043S, A1080S, A1224S, A1262S, A974S.
Identifiers: ClinVar variation 1024436 (VCV001024436.9), dbSNP rs1846836458, ClinGen allele CA377040219.